The following is an entry in ClinVar:

NC_000023.10:g.(?_31140036)_(32235190_?)del

Gene: DMD (dystrophin; minus strand). Cytogenetic location: Xp21.2-21.1.
Variant type: Deletion.
Identifiers: ClinVar variation 1075916 (VCV001075916.7).

ClinVar aggregate classification (germline): Pathogenic (1 of 4 stars; one submission).

Conditions:
Duchenne muscular dystrophy (DMD). Also called: MUSCULAR DYSTROPHY, PSEUDOHYPERTROPHIC PROGRESSIVE, DUCHENNE TYPE; Duchenne Muscular Dystrophy (DMD). Identifiers: Orphanet 98896, MedGen C0013264, MONDO:0010679, OMIM 310200.

Submission:

Labcorp Genetics (formerly Invitae), Labcorp
Classification: Pathogenic for Duchenne muscular dystrophy. Last evaluated: 2022-03-18. Review status: criteria provided, single submitter. Criteria: Invitae Variant Classification Sherloc (09022015). Collection method: clinical testing. Allele origin: germline.
Comment: For these reasons, this variant has been classified as Pathogenic. This variant disrupts a region of the DMD protein in which other variant(s) (Exons 68-79 deletion) have been determined to be pathogenic (PMID: 31705731; Invitae). This suggests that this is a clinically significant region of the protein, and that variants that disrupt it are likely to be disease-causing. Experimental studies and prediction algorithms are not available or were not evaluated, and the functional significance of this variant is currently unknown. A similar copy number variant has been observed in individual(s) with clinical features of Duchenne muscular dystrophy (PMID: 22894145). This variant is a gross deletion of the genomic region encompassing exon(s) 44-79 of the DMD gene, which includes the termination codon. This deletion extends beyond the assayed region for this gene and therefore may encompass additional genes. While this deletion is not anticipated to lead to nonsense mediated decay, it is expected to alter mRNA translation or result in a truncated protein product.

Literature cited by the submitters: PubMed 31705731; PubMed 22894145.